The following is an entry in ClinVar:

ClinVar aggregate classification (germline): Uncertain significance (1 of 4 stars; one submission).

Submission:

GeneDx
Classification: Uncertain significance. Last evaluated: 2023-06-12. Review status: criteria provided, single submitter. Criteria: GeneDx Variant Classification Process June 2021. Collection method: clinical testing. Allele origin: germline. Affected: yes.
Comment: Nonsense variant predicted to result in protein truncation or nonsense mediated decay in a gene or region of a gene for which loss of function is not a well-established mechanism of disease; Not observed at significant frequency in large population cohorts (gnomAD); Has not been previously published as pathogenic or benign to our knowledge

NM_001846.4(COL4A2):c.934G>T (p.Glu312Ter)

Gene: COL4A2 (collagen type IV alpha 2 chain; plus strand). Cytogenetic location: 13q34.
Variant type: single nucleotide variant.
Coding change: c.934G>T on transcript NM_001846.4 (MANE Select); coding-DNA position 934, G replaced by T.
Protein change: p.Glu312Ter; replaces glutamic acid 312 with a stop codon.
Molecular consequence: nonsense.
Genome position (GRCh38, 1-based): chr13:110,439,810, G>T. VCF-style: chr13-110439810-G-T. GRCh37 (hg19) VCF-style: chr13-111092157-G-T.
Other names: short protein forms E312*.
Identifiers: ClinVar variation 3359574 (VCV003359574.1).